The following is an entry in ClinVar:

NM_004991.4(MECOM):c.831C>A (p.Ser277Arg)

Gene: MECOM (MDS1 and EVI1 complex locus; minus strand). Cytogenetic location: 3q26.2.
Variant type: single nucleotide variant.
Coding change: c.831C>A on transcript NM_004991.4 (MANE Select); coding-DNA position 831, C replaced by A.
Protein change: p.Ser277Arg; replaces serine 277 with arginine.
Molecular consequence: missense variant.
Genome position (GRCh38, 1-based): chr3:169,122,727, G>T on the plus strand (C>A on the coding strand, the complement: MECOM is on the minus strand). VCF-style: chr3-169122727-G-T. GRCh37 (hg19) VCF-style: chr3-168840515-G-T.
Other names: c.459C>A, p.Ser153Arg (NM_001105077.4); c.267C>A, p.Ser89Arg (NM_001105078.4, NM_001163999.2, NM_001164000.2 and 9 more transcripts); c.831C>A, p.Ser277Arg (NM_001366466.2, NM_001366473.2); short protein forms S277R, S89R, S153R.
Identifiers: ClinVar variation 4053095 (VCV004053095.1).

ClinVar aggregate classification (germline): Uncertain significance (1 of 4 stars; one submission).

Conditions:
Inborn genetic diseases. Identifiers: MedGen C0950123, MeSH D030342.

gnomAD v4.1: 1 of 1,613,394 alleles (0.000062%); highest among the groups gnomAD compares: Non-Finnish European, 0.000085%; no homozygotes.

Submission:

Ambry Genetics
Classification: Uncertain significance for Inborn genetic diseases. Last evaluated: 2025-03-24. Review status: criteria provided, single submitter. Criteria: Ambry Variant Classification Scheme 2023. Collection method: clinical testing. Allele origin: germline.
Comment: The p.S277R variant (also known as c.831C>A) is located in coding exon 6 of the MECOM gene. The serine at codon 277 is replaced by arginine, an amino acid with dissimilar properties. This change occurs in the first base pair of coding exon 6. This amino acid position is conserved. In addition, the in silico prediction for this alteration is inconclusive. Based on the available evidence, the clinical significance of this variant remains unclear.